The following is an entry in ClinVar:

ClinVar aggregate classification (germline): Uncertain significance (1 of 4 stars; one submission).

Submission:

GeneDx
Classification: Uncertain significance. Last evaluated: 2026-02-25. Review status: criteria provided, single submitter. Criteria: GeneDx Variant Classification Process June 2021. Collection method: clinical testing. Allele origin: germline.
Comment: Not observed at significant frequency in large population cohorts (gnomAD); In silico analysis supports that this missense variant has a deleterious effect on protein structure/function; Has not been previously published as pathogenic or benign to our knowledge

NM_022455.5(NSD1):c.4691G>C (p.Gly1564Ala)

Gene: NSD1 (nuclear receptor binding SET domain protein 1; plus strand). Cytogenetic location: 5q35.3.
Variant type: single nucleotide variant.
Coding change: c.4691G>C on transcript NM_022455.5 (MANE Select); coding-DNA position 4691, G replaced by C.
Protein change: p.Gly1564Ala; replaces glycine 1564 with alanine.
Molecular consequence: missense variant.
Genome position (GRCh38, 1-based): chr5:177,251,779, G>C. VCF-style: chr5-177251779-G-C. GRCh37 (hg19) VCF-style: chr5-176678780-G-C.
Other names: c.3818G>C, p.Gly1273Ala (NM_001365684.2, NM_001409306.1, NM_001409307.1 and 3 more transcripts); c.4691G>C, p.Gly1564Ala (NM_001409301.1, NM_001409302.1, NM_001409303.1); c.4271G>C, p.Gly1424Ala (NM_001409304.1); c.3938G>C, p.Gly1313Ala (NM_001409305.1); short protein forms G1564A, G1424A, G1273A, G1313A.
Identifiers: ClinVar variation 5009811 (VCV005009811.1).